The following is an entry in ClinVar:

ClinVar aggregate classification (germline): Uncertain significance (1 of 4 stars; one submission).

Submission:

Labcorp Genetics (formerly Invitae), Labcorp
Classification: Uncertain significance. Last evaluated: 2024-07-15. Review status: criteria provided, single submitter. Criteria: Invitae Variant Classification Sherloc (09022015). Collection method: clinical testing. Allele origin: germline.
Comment: This sequence change replaces valine, which is neutral and non-polar, with alanine, which is neutral and non-polar, at codon 59 of the MGME1 protein (p.Val59Ala). This variant is present in population databases (rs773227402, gnomAD 0.006%). This variant has not been reported in the literature in individuals affected with MGME1-related conditions. Advanced modeling of protein sequence and biophysical properties (such as structural, functional, and spatial information, amino acid conservation, physicochemical variation, residue mobility, and thermodynamic stability) performed at Invitae indicates that this missense variant is not expected to disrupt MGME1 protein function with a negative predictive value of 80%. In summary, the available evidence is currently insufficient to determine the role of this variant in disease. Therefore, it has been classified as a Variant of Uncertain Significance.

NM_052865.4(MGME1):c.176T>C (p.Val59Ala)

Genes: MGME1 (mitochondrial genome maintenance exonuclease 1; plus strand), LOC126862983 (CDK7 strongly-dependent group 2 enhancer GRCh37_chr20:17950167-17951366; plus strand). Cytogenetic location: 20p11.23.
Variant type: single nucleotide variant.
Coding change: c.176T>C on transcript NM_052865.4 (MANE Select); coding-DNA position 176, T replaced by C.
Protein change: p.Val59Ala; replaces valine 59 with alanine.
Molecular consequence: missense variant.
Genome position (GRCh38, 1-based): chr20:17,970,035, T>C. VCF-style: chr20-17970035-T-C. GRCh37 (hg19) VCF-style: chr20-17950678-T-C.
Other names: c.176T>C, p.Val59Ala (NM_001310338.2, NM_001310339.2, NM_001363738.2); short protein forms V59A.
Identifiers: ClinVar variation 3677796 (VCV003677796.1).